The following is an entry in ClinVar:

ClinVar aggregate classification (germline): Likely benign. Review status: criteria provided, single submitter (1 of 4 stars). 2 submissions from 2 submitters: Likely benign (1). 1 of the submissions does not count toward it. Last evaluated 2026-01-09.

Conditions:
MPLKIP-related disorder. Also called: MPLKIP-related condition.

Allele frequency attached by ClinVar (database versions not stated): gnomAD 0.00019 and 0.00021; gnomAD exomes 0.00020; TOPMed 0.00024; ExAC 0.00045.
gnomAD v4.1: 885 of 1,568,270 alleles (0.056%); highest among the groups gnomAD compares: Non-Finnish European, 0.074%; no homozygotes.

Submissions (2):

Labcorp Genetics (formerly Invitae), Labcorp
Classification: Likely benign. Last evaluated: 2026-01-09. Review status: criteria provided, single submitter. Criteria: Invitae Variant Classification Sherloc (09022015). Collection method: clinical testing. Allele origin: germline.

PreventionGenetics, part of Exact Sciences
Classification: Likely benign for MPLKIP-related condition. Last evaluated: 2019-06-24. Review status: no assertion criteria provided. Collection method: clinical testing. Allele origin: germline. Not counted in ClinVar's aggregate classification.
Comment: This variant is classified as likely benign based on ACMG/AMP sequence variant interpretation guidelines (Richards et al. 2015 PMID: 25741868, with internal and published modifications).

NM_138701.4(MPLKIP):c.120C>A (p.Ser40=)

Gene: MPLKIP (M-phase specific PLK1 interacting protein; minus strand). Cytogenetic location: 7p14.1.
Variant type: single nucleotide variant.
Coding change: c.120C>A on transcript NM_138701.4 (MANE Select); coding-DNA position 120, C replaced by A.
Protein change: p.Ser40=; no amino-acid change (serine 40 retained).
Molecular consequence: synonymous variant.
Genome position (GRCh38, 1-based): chr7:40,134,448, G>T on the plus strand (C>A on the coding strand, the complement: MPLKIP is on the minus strand). VCF-style: chr7-40134448-G-T. GRCh37 (hg19) VCF-style: chr7-40174047-G-T.
Identifiers: ClinVar variation 740590 (VCV000740590.12), dbSNP rs769783319, ClinGen allele CA4229236.